The following is an entry in ClinVar:

ClinVar aggregate classification (germline): Uncertain significance. Review status: criteria provided, multiple submitters, no conflicts (2 of 4 stars). 2 submissions from 2 submitters: Uncertain significance (2). Last evaluated 2023-11-13.

Conditions:
Hereditary cancer-predisposing syndrome. Also called: Tumor predisposition; Hereditary Cancer Syndrome; Neoplastic Syndromes, Hereditary; Hereditary neoplastic syndrome. Identifiers: Orphanet 140162, MedGen C0027672, MeSH D009386, MONDO:0015356.
Familial adenomatous polyposis 2. Also called: MYH-associated polyposis; FAP type 2; ADENOMAS, MULTIPLE COLORECTAL, AUTOSOMAL RECESSIVE; MUTYH Polyposis; MUTYH-associated polyposis; MUTYH-related attenuated familial adenomatous polyposis. Identifiers: Orphanet 220460, Orphanet 247798, MedGen C3272841, MONDO:0012041, OMIM 608456.

Allele frequency attached by ClinVar (database versions not stated): gnomAD exomes below 0.00001.
gnomAD v4.1: 1 of 1,614,210 alleles (0.000062%); highest among the groups gnomAD compares: Non-Finnish European, 0.000085%; no homozygotes.

Submissions (2):

Color Diagnostics, LLC DBA Color Health
Classification: Uncertain significance for Hereditary cancer-predisposing syndrome. Last evaluated: 2023-11-13. Review status: criteria provided, single submitter. Criteria: ACMG Guidelines, 2015. Collection method: clinical testing. Allele origin: germline.
Comment: This variant causes a T to C nucleotide substitution at the +6 position of intron 4 of the MUTYH gene. Splice site prediction tools suggest that this variant may have a significant impact on RNA splicing, although this prediction has not been confirmed in published RNA studies. This variant has not been reported in individuals affected with MUTYH-related disorders in the literature. This variant has not been identified in the general population by the Genome Aggregation Database (gnomAD). The available evidence is insufficient to determine the role of this variant in disease conclusively. Therefore, this variant is classified as a Variant of Uncertain Significance.

Labcorp Genetics (formerly Invitae), Labcorp
Classification: Uncertain significance for Familial adenomatous polyposis 2. Last evaluated: 2022-01-15. Review status: criteria provided, single submitter. Criteria: Invitae Variant Classification Sherloc (09022015). Collection method: clinical testing. Allele origin: germline.
Comment: This sequence change falls in intron 4 of the MUTYH gene. It does not directly change the encoded amino acid sequence of the MUTYH protein. It affects a nucleotide within the consensus splice site. This variant is not present in population databases (gnomAD no frequency). This variant has not been reported in the literature in individuals affected with MUTYH-related conditions. ClinVar contains an entry for this variant (Variation ID: 219392). Variants that disrupt the consensus splice site are a relatively common cause of aberrant splicing (PMID: 17576681, 9536098). Algorithms developed to predict the effect of sequence changes on RNA splicing suggest that this variant may disrupt the consensus splice site. In summary, the available evidence is currently insufficient to determine the role of this variant in disease. Therefore, it has been classified as a Variant of Uncertain Significance.

Literature cited by the submitters: PubMed 17576681 (cited by Labcorp Genetics (formerly Invitae), Labcorp); PubMed 9536098 (cited by Labcorp Genetics (formerly Invitae), Labcorp).

NM_001048174.2(MUTYH):c.304+6T>C

Gene: MUTYH (mutY DNA glycosylase; minus strand). Cytogenetic location: 1p34.1.
Variant type: single nucleotide variant.
Coding change: c.304+6T>C on transcript NM_001048174.2 (MANE Select); 6 bases into the intron after coding-DNA position 304, T replaced by C.
Molecular consequence: intron variant.
Genome position (GRCh38, 1-based): chr1:45,333,279, A>G on the plus strand (T>C on the coding strand, the complement: MUTYH is on the minus strand). VCF-style: chr1-45333279-A-G. GRCh37 (hg19) VCF-style: chr1-45798951-A-G.
Other names: c.33+6T>C (NM_001350651.2, NM_001350650.2); c.28+6T>C (NM_001293192.2, NM_001293196.2); c.304+6T>C (NM_001048171.2, NM_001048173.2, NM_001293195.2); c.349+6T>C (NM_001293190.2); c.379+6T>C (NM_012222.3); c.388+6T>C (NM_001128425.2); c.307+6T>C (NM_001048172.2); c.337+6T>C (NM_001293191.2).
Identifiers: ClinVar variation 219392 (VCV000219392.8), dbSNP rs864622067, ClinGen allele CA348200.